The following is an entry in ClinVar:

ClinVar aggregate classification (germline): Likely benign. Review status: reviewed by expert panel (3 of 4 stars). 2 submissions from 2 submitters: Likely benign (1). 1 of the submissions does not count toward it. Last evaluated 2024-11-04.

Conditions:
Hereditary thrombocytopenia and hematologic cancer predisposition syndrome. Identifiers: Orphanet 71290, MedGen CN281654, MONDO:0011071.
Hereditary thrombocytopenia and hematological cancer predisposition syndrome associated with RUNX1. Also called: RUNX1 Familial Platelet Disorder with Associated Myeloid Malignancies; Familial Platelet Disorder with Propensity to Acute Myelogenous Leukemia; Familial thrombocytopenia with propensity to acute myelogenous leukemia; PLATELET DISORDER, ASPIRIN-LIKE. Identifiers: Orphanet 71290, MedGen C1832388, MeSH C563324, MONDO:0100083, OMIM 601399.

Submissions (2):

ClinGen Myeloid Malignancy Variant Curation Expert Panel
Classification: Likely benign for Hereditary thrombocytopenia and hematologic cancer predisposition syndrome. Last evaluated: 2024-11-04. Review status: reviewed by expert panel. Criteria: ClinGen MyeloMalig ACMG Specifications v2. Collection method: curation. Allele origin: germline. Inheritance: Autosomal dominant inheritance.
Comment: NM_001754.5(RUNX1):c.59-17_59-15del is an intronic variant has a SpliceAI score ≤ 0.20 (0.12) (BP4). This variant has a SpliceAI score ≤ 0.20 (0.12) and evolutionary conservation prediction algorithms predict the site as not being conserved (PhyloP score ≤ 2.0 (-0.42) (BP7). In summary, this variant meets criteria to be classified as likely benign. ACMG/AMP criteria applied, as specified by the Myeloid Malignancy Variant Curation Expert Panel for RUNX1: BP4, BP7.

Labcorp Genetics (formerly Invitae), Labcorp
Classification: Likely benign for Hereditary thrombocytopenia and hematological cancer predisposition syndrome associated with RUNX1. Last evaluated: 2025-10-22. Review status: criteria provided, single submitter. Criteria: Invitae Variant Classification Sherloc (09022015). Collection method: clinical testing. Allele origin: germline. Not counted in ClinVar's aggregate classification.

NM_001754.5(RUNX1):c.59-17_59-15del

Gene: RUNX1 (RUNX family transcription factor 1; minus strand). Cytogenetic location: 21q22.12.
Variant type: Deletion.
Coding change: c.59-17_59-15del on transcript NM_001754.5 (MANE Select); 17 bases into the intron before coding-DNA position 59 through 15 bases into the intron before coding-DNA position 59, 3 bases deleted (ACT; older notation c.59-17_59-15delACT).
Molecular consequence: intron variant.
Genome position (GRCh38, 1-based): chr21:34,892,978-34,892,980, AGT deleted on the plus strand (ACT on the coding strand, the reverse complement: RUNX1 is on the minus strand); deleting any 3 consecutive bases within chr21:34,892,978-34,892,982 gives the same sequence; the c. name uses the placement nearest the transcript's 3' end. VCF-style (leftmost placement, unchanged base first): chr21-34892977-AAGT-A. GRCh37 (hg19) VCF-style: chr21-36265274-AAGT-A.
Identifiers: ClinVar variation 1603621 (VCV001603621.9), dbSNP rs1490343331, ClinGen allele CA748917401.